The following is an entry in ClinVar:

NM_003611.3(OFD1):c.800C>T (p.Thr267Ile)

Gene: OFD1 (OFD1 centriole and centriolar satellite protein; plus strand). Cytogenetic location: Xp22.2.
Variant type: single nucleotide variant.
Coding change: c.800C>T on transcript NM_003611.3 (MANE Select); coding-DNA position 800, C replaced by T.
Protein change: p.Thr267Ile; replaces threonine 267 with isoleucine.
Molecular consequence: missense variant.
Genome position (GRCh38, 1-based): chrX:13,746,925, C>T. VCF-style: chrX-13746925-C-T. GRCh37 (hg19) VCF-style: chrX-13765044-C-T.
Other names: c.800C>T, p.Thr267Ile (NM_001330209.2); c.380C>T, p.Thr127Ile (NM_001330210.2); short protein forms T267I, T127I.
Identifiers: ClinVar variation 2164382 (VCV002164382.4), dbSNP rs1341329902, ClinGen allele CA412338145.

ClinVar aggregate classification (germline): Uncertain significance (1 of 4 stars; one submission).

Conditions:
Joubert syndrome. Also called: CEREBELLOPARENCHYMAL DISORDER IV; JOUBERT-BOLTSHAUSER SYNDROME; Familial aplasia of the vermis. Identifiers: Orphanet 475, MedGen C5979921, MONDO:0018772.
Orofaciodigital syndrome I (OFD1). Also called: OFDS I; Papillon-Leage and Psaume Syndrome; Oral-Facial-Digital Syndrome Type I. Identifiers: Orphanet 2750, MedGen C1510460, MONDO:0010702, OMIM 311200.

Allele frequency attached by ClinVar (database versions not stated): gnomAD exomes below 0.00001.

Submission:

Labcorp Genetics (formerly Invitae), Labcorp
Classification: Uncertain significance for Orofaciodigital syndrome I; Joubert syndrome. Last evaluated: 2023-10-14. Review status: criteria provided, single submitter. Criteria: Invitae Variant Classification Sherloc (09022015). Collection method: clinical testing. Allele origin: germline.
Comment: This sequence change replaces threonine, which is neutral and polar, with isoleucine, which is neutral and non-polar, at codon 267 of the OFD1 protein (p.Thr267Ile). This variant is not present in population databases (gnomAD no frequency). This variant has not been reported in the literature in individuals affected with OFD1-related conditions. ClinVar contains an entry for this variant (Variation ID: 2164382). Advanced modeling of protein sequence and biophysical properties (such as structural, functional, and spatial information, amino acid conservation, physicochemical variation, residue mobility, and thermodynamic stability) performed at Invitae indicates that this missense variant is not expected to disrupt OFD1 protein function. In summary, the available evidence is currently insufficient to determine the role of this variant in disease. Therefore, it has been classified as a Variant of Uncertain Significance.